The following is an entry in ClinVar:

ClinVar aggregate classification (germline): Conflicting classifications of pathogenicity. Review status: criteria provided, conflicting classifications (1 of 4 stars). 3 submissions from 3 submitters: Uncertain significance (1); Likely benign (1). 1 of the submissions does not count toward it. Last evaluated 2025-09-02.

Conditions:
Inborn genetic diseases. Identifiers: MedGen C0950123, MeSH D030342.
Pyruvate dehydrogenase E1-alpha deficiency (PDHAD). Also called: ATAXIA, INTERMITTENT, WITH PYRUVATE DEHYDROGENASE DEFICIENCY; ATAXIA WITH LACTIC ACIDOSIS I; ATAXIA, INTERMITTENT, WITH ABNORMAL PYRUVATE METABOLISM; Ataxia, intermittent, with pyruvate dehydrogenase, or decarboxylase, deficiency. Identifiers: Orphanet 79243, MedGen C1839413, MONDO:0010717, OMIM 312170.
Pyruvate dehydrogenase complex deficiency (PDHC). Also called: PYRUVATE DECARBOXYLASE DEFICIENCY; Pyruvate Dehydrogenase Complex Deficiency Disease; Pyruvate dehydrogenase deficiency; Ataxia with lactic acidosis 1; PDH DEFICIENCY. Identifiers: Orphanet 765, Orphanet 79243, MedGen C0034345, MONDO:0019169.

Allele frequency attached by ClinVar (database versions not stated): ExAC 0.00001; gnomAD exomes 0.00001; TOPMed 0.00007; gnomAD 0.00010 and 0.00011.
gnomAD v4.1: 21 of 1,203,085 alleles (0.0017%); highest among the groups gnomAD compares: African/African-American, 0.025%; no homozygotes.

Submissions (3):

Labcorp Genetics (formerly Invitae), Labcorp
Classification: Uncertain significance for Pyruvate dehydrogenase E1-alpha deficiency. Last evaluated: 2025-09-02. Review status: criteria provided, single submitter. Criteria: Invitae Variant Classification Sherloc (09022015). Collection method: clinical testing. Allele origin: germline.
Comment: This sequence change replaces glycine, which is neutral and non-polar, with serine, which is neutral and polar, at codon 107 of the PDHA1 protein (p.Gly107Ser). The frequency data for this variant in the population databases is considered unreliable, as metrics indicate poor data quality at this position in the gnomAD database. This variant has not been reported in the literature in individuals affected with PDHA1-related conditions. ClinVar contains an entry for this variant (Variation ID: 665997). Invitae Evidence Modeling of protein sequence and biophysical properties (such as structural, functional, and spatial information, amino acid conservation, physicochemical variation, residue mobility, and thermodynamic stability) indicates that this missense variant is not expected to disrupt PDHA1 protein function with a negative predictive value of 80%. In summary, the available evidence is currently insufficient to determine the role of this variant in disease. Therefore, it has been classified as a Variant of Uncertain Significance.

Ambry Genetics
Classification: Likely benign for Inborn genetic diseases. Last evaluated: 2025-01-02. Review status: criteria provided, single submitter. Criteria: Ambry Variant Classification Scheme 2023. Collection method: clinical testing. Allele origin: germline.

Natera, Inc.
Classification: Uncertain significance for Pyruvate decarboxylase deficiency. Last evaluated: 2020-09-16. Review status: no assertion criteria provided. Collection method: clinical testing. Allele origin: germline. Not counted in ClinVar's aggregate classification.

NM_000284.4(PDHA1):c.319G>A (p.Gly107Ser)

Gene: PDHA1 (pyruvate dehydrogenase E1 subunit alpha 1; plus strand). Cytogenetic location: Xp22.12.
Variant type: single nucleotide variant.
Coding change: c.319G>A on transcript NM_000284.4 (MANE Select); coding-DNA position 319, G replaced by A.
Protein change: p.Gly107Ser; replaces glycine 107 with serine.
Molecular consequence: missense variant.
Genome position (GRCh38, 1-based): chrX:19,351,308, G>A. VCF-style: chrX-19351308-G-A. GRCh37 (hg19) VCF-style: chrX-19369426-G-A.
Other names: c.433G>A, p.Gly145Ser (NM_001173454.2); c.340G>A, p.Gly114Ser (NM_001173455.2); c.319G>A, p.Gly107Ser (NM_001173456.2); short protein forms G114S, G107S, G145S.
Identifiers: ClinVar variation 665997 (VCV000665997.7), dbSNP rs764996618, ClinGen allele CA10363023.